The following is an entry in ClinVar:

NM_001360.3(DHCR7):c.1076_1077dup (p.Leu360fs)

Gene: DHCR7 (7-dehydrocholesterol reductase; minus strand). Cytogenetic location: 11q13.4.
Variant type: Duplication.
Coding change: c.1076_1077dup on transcript NM_001360.3 (MANE Select); coding-DNA positions 1076 to 1077, 2 bases duplicated (AC; older notation c.1076_1077dupAC).
Protein change: p.Leu360fs; shifts the reading frame from leucine 360.
Molecular consequence: frameshift variant.
Genome position (GRCh38, 1-based): chr11:71,435,726-71,435,727, GT duplicated on the plus strand (AC on the coding strand, the reverse complement: DHCR7 is on the minus strand). VCF-style (leftmost placement, unchanged base first): chr11-71435725-G-GGT. GRCh37 (hg19) VCF-style: chr11-71146771-G-GGT.
Other names: c.1076_1077dupAC (NM_001360.2); c.1076_1077dup, p.Leu360fs (NM_001163817.2); short protein forms L360fs.
Identifiers: ClinVar variation 813485 (VCV000813485.13), dbSNP rs1318653026, ClinGen allele CA600241192.

ClinVar aggregate classification (germline): Pathogenic/Likely pathogenic. Review status: criteria provided, multiple submitters, no conflicts (2 of 4 stars). 6 submissions from 6 submitters: Pathogenic (4); Likely pathogenic (2). Last evaluated 2025-12-15.

Conditions:
DHCR7-related disorder. Also called: DHCR7-related condition.
Smith-Lemli-Opitz syndrome (SLOS). Also called: 7-Dehydrocholesterol reductase deficiency; LETHAL ACRODYSGENITAL SYNDROME; POLYDACTYLY, SEX REVERSAL, RENAL HYPOPLASIA, AND UNILOBAR LUNG; RSH SYNDROME; RUTLEDGE LETHAL MULTIPLE CONGENITAL ANOMALY SYNDROME. Identifiers: Orphanet 818, MedGen C0175694, MONDO:0010035, OMIM 270400.

Allele frequency attached by ClinVar (database versions not stated): gnomAD exomes below 0.00001; gnomAD 0.00002 and 0.00003; TOPMed 0.00004.

Submissions (6):

Labcorp Genetics (formerly Invitae), Labcorp
Classification: Pathogenic for Smith-Lemli-Opitz syndrome. Last evaluated: 2025-12-15. Review status: criteria provided, single submitter. Criteria: Invitae Variant Classification Sherloc (09022015). Collection method: clinical testing. Allele origin: germline.
Comment: This sequence change creates a premature translational stop signal (p.Leu360Thrfs*54) in the DHCR7 gene. While this is not anticipated to result in nonsense mediated decay, it is expected to disrupt the last 116 amino acid(s) of the DHCR7 protein. This variant is present in population databases (no rsID available, gnomAD 0.007%). This variant has not been reported in the literature in individuals affected with DHCR7-related conditions. ClinVar contains an entry for this variant (Variation ID: 813485). This variant disrupts a region of the DHCR7 protein in which other variant(s) (p.Lys376Argfs*37) have been determined to be pathogenic (PMID: 18006960). This suggests that this is a clinically significant region of the protein, and that variants that disrupt it are likely to be disease-causing. For these reasons, this variant has been classified as Pathogenic.

Myriad Genetics, Inc.
Classification: Pathogenic for Smith-Lemli-Opitz syndrome. Last evaluated: 2025-11-07. Review status: criteria provided, single submitter. Criteria: Myriad Autosomal Dominant, Autosomal Recessive and X-Linked Classification Criteria (2023). Collection method: clinical testing. Allele origin: unknown.
Comment: NM_001360.2(DHCR7):c.1076_1077dupAC(L360Tfs*54) is a frameshift variant classified as pathogenic in the context of Smith-Lemli-Opitz syndrome. L360Tfs*54 has not been observed in cases with relevant disease. Relevant functional assessments of this variant are not available in the literature. L360Tfs*54 has been observed in referenced population frequency databases. In summary, NM_001360.2(DHCR7):c.1076_1077dupAC(L360Tfs*54) is a frameshift variant in a gene where loss of function is a known mechanism of disease and is predicted to disrupt protein function. Please note: this variant was assessed in the context of healthy population screening.

Natera, Inc.
Classification: Likely pathogenic for Smith-Lemli-Opitz syndrome. Last evaluated: 2025-09-12. Review status: criteria provided, single submitter. Criteria: Natera Variant Classification Schema (03/2026). Collection method: clinical testing. Allele origin: germline.
Comment: The c.1076_1077dupAC variant in DHCR7 is a frameshift variant predicted to shift the reading frame beginning at codon 360 and leads to a stop codon 54 codons downstream. This variant is expected to result in nonsense mediated decay, truncation, or a dysfunctional protein product. This variant is rare in the general population with a frequency below the threshold expected for the associated phenotype(s). Given the available evidence, this variant is classified as Likely Pathogenic.

PreventionGenetics, part of Exact Sciences
Classification: Pathogenic for DHCR7-related condition. Last evaluated: 2024-12-12. Review status: criteria provided, single submitter. Criteria: ACMG Guidelines, 2015. Collection method: clinical testing. Allele origin: germline.
Comment: The DHCR7 c.1076_1077dupAC variant is predicted to result in a frameshift and premature protein termination (p.Leu360Thrfs*54). To our knowledge, this variant has not been reported but is expected to be pathogenic. Loss of function variants in the DHCR7 gene are reported to be causative for Smith-Lemli-Opitz syndrome (Waterham et al. 2012. PubMed ID: 23042628; Cross et al. 2015. PubMed ID: 24813812). In summary, we interpret this variant as pathogenic.

Fulgent Genetics
Classification: Likely pathogenic for Smith-Lemli-Opitz syndrome. Last evaluated: 2024-03-09. Review status: criteria provided, single submitter. Criteria: ACMG Guidelines, 2015. Collection method: clinical testing. Allele origin: germline.

Baylor Genetics
Classification: Pathogenic for Smith-Lemli-Opitz syndrome. Review status: criteria provided, single submitter. Criteria: ACMG Guidelines, 2015. Collection method: clinical testing. Allele origin: germline.

Literature cited by the submitters: PubMed 18006960 (cited by Labcorp Genetics (formerly Invitae), Labcorp).